The following is an entry in ClinVar:

ClinVar aggregate classification (germline): Uncertain significance. Review status: criteria provided, multiple submitters, no conflicts (2 of 4 stars). 2 submissions from 2 submitters: Uncertain significance (2). Last evaluated 2025-05-27.

Conditions:
Hereditary cancer-predisposing syndrome. Also called: Neoplastic Syndromes, Hereditary; Tumor predisposition; Hereditary neoplastic syndrome; Hereditary Cancer Syndrome. Identifiers: Orphanet 140162, MedGen C0027672, MeSH D009386, MONDO:0015356.

Allele frequency attached by ClinVar (database versions not stated): gnomAD exomes below 0.00001; ExAC 0.00001.
gnomAD v4.1: 1 of 1,611,280 alleles (0.000062%); highest among the groups gnomAD compares: Non-Finnish European, 0.000085%; no homozygotes.

Submissions (2):

Labcorp Genetics (formerly Invitae), Labcorp
Classification: Uncertain significance. Last evaluated: 2025-05-27. Review status: criteria provided, single submitter. Criteria: Invitae Variant Classification Sherloc (09022015). Collection method: clinical testing. Allele origin: germline.
Comment: This sequence change replaces phenylalanine, which is neutral and non-polar, with cysteine, which is neutral and slightly polar, at codon 695 of the POLE protein (p.Phe695Cys). This variant is present in population databases (rs754857680, gnomAD 0.0009%). This variant has not been reported in the literature in individuals affected with POLE-related conditions. ClinVar contains an entry for this variant (Variation ID: 840762). Invitae Evidence Modeling of protein sequence and biophysical properties (such as structural, functional, and spatial information, amino acid conservation, physicochemical variation, residue mobility, and thermodynamic stability) indicates that this missense variant is expected to disrupt POLE protein function with a positive predictive value of 80%. In summary, the available evidence is currently insufficient to determine the role of this variant in disease. Therefore, it has been classified as a Variant of Uncertain Significance.

Ambry Genetics
Classification: Uncertain significance for Hereditary cancer-predisposing syndrome. Last evaluated: 2025-05-08. Review status: criteria provided, single submitter. Criteria: Ambry Variant Classification Scheme 2023. Collection method: clinical testing. Allele origin: germline.
Comment: The p.F695C variant (also known as c.2084T>G), located in coding exon 19 of the POLE gene, results from a T to G substitution at nucleotide position 2084. The phenylalanine at codon 695 is replaced by cysteine, an amino acid with highly dissimilar properties. This amino acid position is conserved. In addition, the in silico prediction for this alteration is inconclusive. Based on the available evidence, the clinical significance of this variant remains unclear.

NM_006231.4(POLE):c.2084T>G (p.Phe695Cys)

Gene: POLE (DNA polymerase epsilon, catalytic subunit; minus strand). Cytogenetic location: 12q24.33.
Variant type: single nucleotide variant.
Coding change: c.2084T>G on transcript NM_006231.4 (MANE Select); coding-DNA position 2084, T replaced by G.
Protein change: p.Phe695Cys; replaces phenylalanine 695 with cysteine.
Molecular consequence: missense variant.
Genome position (GRCh38, 1-based): chr12:132,668,445, A>C on the plus strand (T>G on the coding strand, the complement: POLE is on the minus strand). VCF-style: chr12-132668445-A-C. GRCh37 (hg19) VCF-style: chr12-133245031-A-C.
Other names: short protein forms F695C.
Identifiers: ClinVar variation 840762 (VCV000840762.11), dbSNP rs754857680, ClinGen allele CA6893690.